The following is an entry in ClinVar:

ClinVar aggregate classification (germline): Uncertain significance. Review status: criteria provided, multiple submitters, no conflicts (2 of 4 stars). 2 submissions from 2 submitters: Uncertain significance (2). Last evaluated 2023-06-23.

Conditions:
Cardiovascular phenotype. Identifiers: MedGen CN230736.
Alstrom syndrome (ALMS). Identifiers: Orphanet 64, MedGen C0268425, MONDO:0008763, OMIM 203800.

Allele frequency attached by ClinVar (database versions not stated): gnomAD exomes below 0.00001; gnomAD 0.00001.
gnomAD v4.1: 6 of 1,613,786 alleles (0.00037%); highest among the groups gnomAD compares: Non-Finnish European, 0.00051%; no homozygotes.

Submissions (2):

Ambry Genetics
Classification: Uncertain significance for Cardiovascular phenotype. Last evaluated: 2023-06-23. Review status: criteria provided, single submitter. Criteria: Ambry Variant Classification Scheme 2023. Collection method: clinical testing. Allele origin: germline.
Comment: The p.N2534K variant (also known as c.7602T>G), located in coding exon 9 of the ALMS1 gene, results from a T to G substitution at nucleotide position 7602. The asparagine at codon 2534 is replaced by lysine, an amino acid with similar properties. This amino acid position is well conserved in available vertebrate species. In addition, this alteration is predicted to be tolerated by in silico analysis. Since supporting evidence is limited at this time, the clinical significance of this alteration remains unclear.

Labcorp Genetics (formerly Invitae), Labcorp
Classification: Uncertain significance for Alstrom syndrome. Last evaluated: 2022-03-08. Review status: criteria provided, single submitter. Criteria: Invitae Variant Classification Sherloc (09022015). Collection method: clinical testing. Allele origin: germline.
Comment: This sequence change replaces asparagine, which is neutral and polar, with lysine, which is basic and polar, at codon 2534 of the ALMS1 protein (p.Asn2534Lys). This variant is present in population databases (no rsID available, gnomAD 0.002%). This variant has not been reported in the literature in individuals affected with ALMS1-related conditions. Experimental studies and prediction algorithms are not available or were not evaluated, and the functional significance of this variant is currently unknown. In summary, the available evidence is currently insufficient to determine the role of this variant in disease. Therefore, it has been classified as a Variant of Uncertain Significance.

NM_001378454.1(ALMS1):c.7599T>G (p.Asn2533Lys)

Gene: ALMS1 (ALMS1 centrosome and basal body associated protein; plus strand). Cytogenetic location: 2p13.1.
Variant type: single nucleotide variant.
Coding change: c.7599T>G on transcript NM_001378454.1 (MANE Select); coding-DNA position 7599, T replaced by G.
Protein change: p.Asn2533Lys; replaces asparagine 2533 with lysine.
Molecular consequence: missense variant.
Genome position (GRCh38, 1-based): chr2:73,455,220, T>G. VCF-style: chr2-73455220-T-G. GRCh37 (hg19) VCF-style: chr2-73682347-T-G.
Other names: c.7602T>G, p.Asn2534Lys (NM_015120.4); short protein forms N2533K, N2534K.
Identifiers: ClinVar variation 1969222 (VCV001969222.4), dbSNP rs1268349432, ClinGen allele CA347293049.